The following is an entry in ClinVar:

ClinVar aggregate classification (germline): Uncertain significance. Review status: criteria provided, multiple submitters, no conflicts (2 of 4 stars). 2 submissions from 2 submitters: Uncertain significance (2). Last evaluated 2026-02-13.

Conditions:
Cardiovascular phenotype. Identifiers: MedGen CN230736.

Submissions (2):

Women's Health and Genetics/Laboratory Corporation of America, LabCorp
Classification: Uncertain significance. Last evaluated: 2026-02-13. Review status: criteria provided, single submitter. Criteria: LabCorp Variant Classification Summary - May 2015. Collection method: clinical testing. Allele origin: germline.
Comment: Variant summary: ZNF469 c.2744A>G (p.Asp915Gly) results in a non-conservative amino acid change in the encoded protein sequence. Algorithms developed to predict the effect of missense changes on protein structure and function are either unavailable or do not agree on the potential impact of this missense change. The variant was absent in 140570 control chromosomes. The available data on variant occurrences in the general population are insufficient to allow any conclusion about variant significance. To our knowledge, no occurrence of c.2744A>G in individuals affected with ZNF469-related conditions and no experimental evidence demonstrating its impact on protein function have been reported. ClinVar contains an entry for this variant (Variation ID: 3476135). Based on the evidence outlined above, the variant was classified as uncertain significance.

Ambry Genetics
Classification: Uncertain significance for Cardiovascular phenotype. Last evaluated: 2024-08-19. Review status: criteria provided, single submitter. Criteria: Ambry Variant Classification Scheme 2023. Collection method: clinical testing. Allele origin: germline.
Comment: The p.D915G variant (also known as c.2744A>G), located in coding exon 1 of the ZNF469 gene, results from an A to G substitution at nucleotide position 2744. The aspartic acid at codon 915 is replaced by glycine, an amino acid with similar properties. This amino acid position is conserved. In addition, this alteration is predicted to be tolerated by in silico analysis. Based on the available evidence, the clinical significance of this variant remains unclear.

NM_001367624.2(ZNF469):c.2744A>G (p.Asp915Gly)

Gene: ZNF469 (zinc finger protein 469; plus strand). Cytogenetic location: 16q24.2.
Variant type: single nucleotide variant.
Coding change: c.2744A>G on transcript NM_001367624.2 (MANE Select); coding-DNA position 2744, A replaced by G.
Protein change: p.Asp915Gly; replaces aspartic acid 915 with glycine.
Molecular consequence: missense variant.
Genome position (GRCh38, 1-based): chr16:88,430,214, A>G. VCF-style: chr16-88430214-A-G. GRCh37 (hg19) VCF-style: chr16-88496622-A-G.
Other names: NM_001127464.1:c.2744A>G; short protein forms D915G.
Identifiers: ClinVar variation 3476135 (VCV003476135.2).